The following is an entry in ClinVar:

ClinVar aggregate classification (germline): Uncertain significance (1 of 4 stars; one submission).

Submission:

Labcorp Genetics (formerly Invitae), Labcorp
Classification: Uncertain significance. Last evaluated: 2024-01-07. Review status: criteria provided, single submitter. Criteria: Invitae Variant Classification Sherloc (09022015). Collection method: clinical testing. Allele origin: germline.
Comment: This sequence change falls in intron 7 of the CFH gene. It does not directly change the encoded amino acid sequence of the CFH protein. This variant is present in population databases (rs752873436, gnomAD 0.007%). This variant has not been reported in the literature in individuals affected with CFH-related conditions. This variant is also known as c.1160-2_1180dup (p.Leu394*). Experimental studies and prediction algorithms are not available or were not evaluated, and the effect of this variant on mRNA splicing is currently unknown. In summary, the available evidence is currently insufficient to determine the role of this variant in disease. Therefore, it has been classified as a Variant of Uncertain Significance.

NM_000186.4(CFH):c.1160-2_1180dup

Gene: CFH (complement factor H; plus strand). Cytogenetic location: 1q31.3.
Variant type: Duplication.
Coding change: c.1160-2_1180dup on transcript NM_000186.4 (MANE Select); the canonical splice acceptor site of the intron before coding-DNA position 1160 through coding-DNA position 1180, 23 bases duplicated (AGGAAAATGTTATTTTCCTTATT).
Molecular consequence: splice acceptor variant.
Genome position (GRCh38, 1-based): chr1:196,690,061-196,690,083, AGGAAAATGTTATTTTCCTTATT duplicated; duplicating any 23 consecutive bases within chr1:196,690,059-196,690,083 gives the same sequence; the c. name uses the placement nearest the transcript's 3' end. VCF-style (leftmost placement, unchanged base first): chr1-196690058-C-CTTAGGAAAATGTTATTTTCCTTA. GRCh37 (hg19) VCF-style: chr1-196659188-C-CTTAGGAAAATGTTATTTTCCTTA.
Other names: c.1160-2_1180dup (NM_001014975.3).
Identifiers: ClinVar variation 2996940 (VCV002996940.3), dbSNP rs752873436, ClinGen allele CA1305274.